The following is an entry in ClinVar:

NM_003900.5(SQSTM1):c.748C>T (p.Pro250Ser)

Gene: SQSTM1 (sequestosome 1; plus strand). Cytogenetic location: 5q35.3.
Variant type: single nucleotide variant.
Coding change: c.748C>T on transcript NM_003900.5 (MANE Select); coding-DNA position 748, C replaced by T.
Protein change: p.Pro250Ser; replaces proline 250 with serine.
Molecular consequence: missense variant.
Genome position (GRCh38, 1-based): chr5:179,825,220, C>T. VCF-style: chr5-179825220-C-T. GRCh37 (hg19) VCF-style: chr5-179252220-C-T.
Other names: c.496C>T, p.Pro166Ser (NM_001142298.2, NM_001142299.2); short protein forms P166S, P250S.
Identifiers: ClinVar variation 2941373 (VCV002941373.3), dbSNP rs1757944449, ClinGen allele CA362446776.

ClinVar aggregate classification (germline): Uncertain significance (1 of 4 stars; one submission).

Conditions:
Frontotemporal dementia and/or amyotrophic lateral sclerosis 1 (FTDALS1). Also called: Frontotemporal dementia with motor neuron disease 1; C9orf72 Frontotemporal Dementia and/or Amyotrophic Lateral Sclerosis. Identifiers: Orphanet 275872, MedGen C5779877, MONDO:0007105, OMIM 105550.
Paget disease of bone 2, early-onset (PDB2). Also called: Paget disease of bone 2. Identifiers: MedGen C4085251, MONDO:0011183, OMIM 602080.

Allele frequency attached by ClinVar (database versions not stated): gnomAD exomes below 0.00001; TOPMed below 0.00001.

Submission:

Labcorp Genetics (formerly Invitae), Labcorp
Classification: Uncertain significance for Paget disease of bone 2, early-onset; Frontotemporal dementia and/or amyotrophic lateral sclerosis 1. Last evaluated: 2023-12-27. Review status: criteria provided, single submitter. Criteria: Invitae Variant Classification Sherloc (09022015). Collection method: clinical testing. Allele origin: germline.
Comment: This sequence change replaces proline, which is neutral and non-polar, with serine, which is neutral and polar, at codon 250 of the SQSTM1 protein (p.Pro250Ser). This variant is not present in population databases (gnomAD no frequency). This variant has not been reported in the literature in individuals affected with SQSTM1-related conditions. Advanced modeling of protein sequence and biophysical properties (such as structural, functional, and spatial information, amino acid conservation, physicochemical variation, residue mobility, and thermodynamic stability) has been performed at Invitae for this missense variant, however the output from this modeling did not meet the statistical confidence thresholds required to predict the impact of this variant on SQSTM1 protein function. In summary, the available evidence is currently insufficient to determine the role of this variant in disease. Therefore, it has been classified as a Variant of Uncertain Significance.